The following is an entry in ClinVar:

NM_015557.3(CHD5):c.3249C>T (p.Ile1083=)

Gene: CHD5 (chromodomain helicase DNA binding protein 5; minus strand). Cytogenetic location: 1p36.31.
Variant type: single nucleotide variant.
Coding change: c.3249C>T on transcript NM_015557.3 (MANE Select); coding-DNA position 3249, C replaced by T.
Protein change: p.Ile1083=; no amino-acid change (isoleucine 1083 retained).
Molecular consequence: synonymous variant.
Genome position (GRCh38, 1-based): chr1:6,131,644, G>A on the plus strand (C>T on the coding strand, the complement: CHD5 is on the minus strand). VCF-style: chr1-6131644-G-A. GRCh37 (hg19) VCF-style: chr1-6191704-G-A.
Identifiers: ClinVar variation 5041887 (VCV005041887.1).
Genomic context (GRCh38, chr1:6,131,644, plus strand): 5'-GGCCAAAAAGGAGTCTCAATCAGAACCCTTGGGCAGGATGGGGGTACCATTGAATCTGTC[G>A]ATTGCCTCCTGCCGGAGGCCCCCGGTGATGCCACCATCAATCCGCTCATACTTGTAGCCT-3'
Protein context (NP_056372.1, residues 1073-1093): GITGGLRQEA[Ile1083=]DRFNAPGAQQ

ClinVar aggregate classification (germline): Likely benign (1 of 4 stars; one submission).

gnomAD v4.1: 12 of 1,602,456 alleles (0.00075%); highest among the groups gnomAD compares: East Asian, 0.0022%; no homozygotes.

Submission:

CeGaT Center for Human Genetics Tuebingen
Classification: Likely benign. Last evaluated: 2026-08-01. Review status: criteria provided, single submitter. Criteria: CeGaT Center For Human Genetics Tuebingen Variant Classification Criteria Version 2. Collection method: clinical testing. Allele origin: germline. Affected: yes. Observed: 1 variant allele.
Comment: CHD5: BP4, BP7